The following is an entry in ClinVar:

ClinVar aggregate classification (germline): Benign. Review status: criteria provided, multiple submitters, no conflicts (2 of 4 stars). 16 submissions from 15 submitters: Benign (11). 5 of the submissions do not count toward it. Last evaluated 2026-02-04.

Conditions:
Hereditary spastic paraplegia 3A (SPG3A). Also called: Spastic Paraplegia 3A; Spastic paraplegia 3A, autosomal dominant; SPASTIC PARAPLEGIA 3, AUTOSOMAL DOMINANT; FAMILIAL SPASTIC PARAPLEGIA, AUTOSOMAL DOMINANT, 1; SPG3; STRUMPELL DISEASE. Identifiers: Orphanet 100984, MedGen C2931355, MONDO:0008437, OMIM 182600.
Neuropathy, hereditary sensory, type 1D. Identifiers: Orphanet 36386, MedGen C3150972, MONDO:0013381, OMIM 613708.
Hereditary spastic paraplegia. Also called: Familial spastic paraparesis. Identifiers: Orphanet 685, MedGen C0037773, MONDO:0019064. Disease mechanism: loss of function.

Allele frequency attached by ClinVar (database versions not stated): gnomAD exomes 0.73484 and 0.76448; ExAC 0.76327; gnomAD 0.79398 and 0.79691; ESP Exome Variant Server 0.79586; TOPMed 0.80415; 1000 Genomes Project 0.82149; 1000 Genomes Project 30x 0.82542.
gnomAD v4.1: 1,195,515 of 1,613,442 alleles (74%); highest among the groups gnomAD compares: African/African-American, 93%; 445,619 homozygotes.

Submissions (16):

Labcorp Genetics (formerly Invitae), Labcorp
Classification: Benign for Hereditary spastic paraplegia 3A. Last evaluated: 2026-02-04. Review status: criteria provided, single submitter. Criteria: Invitae Variant Classification Sherloc (09022015). Collection method: clinical testing. Allele origin: germline.

Blueprint Genetics
Classification: Benign. Last evaluated: 2024-11-27. Review status: criteria provided, single submitter. Criteria: ACMG Guidelines, 2015. Collection method: clinical testing. Allele origin: germline.

Fulgent Genetics
Classification: Benign for Hereditary spastic paraplegia 3A; Neuropathy, hereditary sensory, type 1D. Last evaluated: 2021-08-11. Review status: criteria provided, single submitter. Criteria: ACMG Guidelines, 2015. Collection method: clinical testing. Allele origin: unknown.

Genome-Nilou Lab
Classification: Benign for Neuropathy, hereditary sensory, type 1D. Last evaluated: 2021-07-14. Review status: criteria provided, single submitter. Criteria: ACMG Guidelines, 2015. Collection method: clinical testing. Allele origin: germline. Affected: no.

Genome-Nilou Lab
Classification: Benign for Hereditary spastic paraplegia 3A. Last evaluated: 2021-07-14. Review status: criteria provided, single submitter. Criteria: ACMG Guidelines, 2015. Collection method: clinical testing. Allele origin: germline. Affected: no.

Athena Diagnostics
Classification: Benign. Last evaluated: 2019-07-18. Review status: criteria provided, single submitter. Criteria: Athena Diagnostics Criteria. Collection method: clinical testing. Allele origin: germline.

Illumina Laboratory Services, Illumina
Classification: Benign for Hereditary spastic paraplegia 3A. Last evaluated: 2018-01-12. Review status: criteria provided, single submitter. Criteria: ICSL Variant Classification Criteria 13 December 2019. Collection method: clinical testing. Allele origin: germline.
Comment: This variant was observed in the ICSL laboratory as part of a predisposition screen in an ostensibly healthy population. It had not been previously curated by ICSL or reported in the Human Gene Mutation Database (HGMD: prior to June 1st, 2018), and was therefore a candidate for classification through an automated scoring system. Utilizing variant allele frequency, disease prevalence and penetrance estimates, and inheritance mode, an automated score was calculated to assess if this variant is too frequent to cause the disease. Based on the score and internal cut-off values, a variant classified as benign is not then subjected to further curation. The score for this variant resulted in a classification of benign for this disease.

Genome Diagnostics Laboratory, The Hospital for Sick Children
Classification: Benign for Hereditary spastic paraplegia. Last evaluated: 2016-12-12. Review status: criteria provided, single submitter. Criteria: ACMG Guidelines, 2015. Collection method: clinical testing. Allele origin: germline. Affected: yes.

Mayo Clinic Laboratories, Mayo Clinic
Classification: Benign. Last evaluated: 2015-08-21. Review status: criteria provided, single submitter. Criteria: ACMG Guidelines, 2015. Collection method: clinical testing. Allele origin: germline. Observed: 1,820 variant alleles.

GeneDx
Classification: Benign. Last evaluated: 2015-03-03. Review status: criteria provided, single submitter. Criteria: GeneDx Variant Classification Process June 2021. Collection method: clinical testing. Allele origin: germline. Affected: yes.

Breakthrough Genomics
Classification: Benign. Review status: criteria provided, single submitter. Criteria: ACMG Guidelines, 2015. Collection method: not provided. Allele origin: germline. Inheritance: Autosomal dominant inheritance. Affected: yes.

Clinical Genetics, Academic Medical Center
Classification: Benign. Review status: no assertion criteria provided. Collection method: clinical testing. Allele origin: germline. Affected: yes. Study: VKGL Data-share Consensus. Not counted in ClinVar's aggregate classification.

Diagnostic Laboratory, Department of Genetics, University Medical Center Groningen
Classification: Benign. Review status: no assertion criteria provided. Collection method: clinical testing. Allele origin: germline. Affected: yes. Study: VKGL Data-share Consensus. Not counted in ClinVar's aggregate classification.

GeneReviews
No classification provided. Condition: Hereditary spastic paraplegia 3A. Review status: no classification provided. Collection method: literature only. Allele origin: unknown. Not counted in ClinVar's aggregate classification.

Genetic Services Laboratory, University of Chicago
Classification: Likely benign for AllHighlyPenetrant. Review status: no assertion criteria provided. Collection method: clinical testing. Allele origin: germline. Inheritance: Autosomal dominant inheritance. Not counted in ClinVar's aggregate classification.
Comment: Likely benign based on allele frequency in 1000 Genomes Project or ESP global frequency and its presence in a patient with a rare or unrelated disease phenotype. NOT Sanger confirmed.

Joint Genome Diagnostic Labs from Nijmegen and Maastricht, Radboudumc and MUMC+
Classification: Benign. Review status: no assertion criteria provided. Collection method: clinical testing. Allele origin: germline. Affected: yes. Study: VKGL Data-share Consensus. Not counted in ClinVar's aggregate classification.

Literature cited by the submitters: PubMed 20862796 (cited by GeneReviews); NCBI Bookshelf NBK45978 (cited by GeneReviews).

NM_015915.5(ATL1):c.351G>A (p.Glu117=)

Gene: ATL1 (atlastin GTPase 1; plus strand). Cytogenetic location: 14q22.1.
Variant type: single nucleotide variant.
Coding change: c.351G>A on transcript NM_015915.5 (MANE Select); coding-DNA position 351, G replaced by A.
Protein change: p.Glu117=; no amino-acid change (glutamic acid 117 retained).
Molecular consequence: synonymous variant.
Genome position (GRCh38, 1-based): chr14:50,591,009, G>A. VCF-style: chr14-50591009-G-A. GRCh37 (hg19) VCF-style: chr14-51057727-G-A.
Other names: p.Glu117=; c.351G>A, p.Glu117= (NM_001127713.1, NM_181598.4).
Identifiers: ClinVar variation 21530 (VCV000021530.38), dbSNP rs1060197, ClinGen allele CA151911.
Genomic context (GRCh38, chr14:50,591,009, plus strand): 5'-TGATTGGGTTGGAGACTACAATGAACCATTGACTGGTTTTTCATGGAGAGGTGGATCTGA[G>A]CGAGAGACCACAGGAATTCAGATATGGAGTGAAATCTTCCTTATCAATAAACCTGATGGT-3'
Protein context (NP_056999.2, residues 107-127): LTGFSWRGGS[Glu117=]RETTGIQIWS